The following is an entry in ClinVar:

ClinVar aggregate classification (germline): Conflicting classifications of pathogenicity. Review status: criteria provided, conflicting classifications (1 of 4 stars). 3 submissions from 3 submitters: Uncertain significance (1); Likely benign (2). Last evaluated 2026-01-03.

Conditions:
CACNA1B-related disorder. Also called: CACNA1B-related condition.

Allele frequency attached by ClinVar (database versions not stated): gnomAD 0.00001; TOPMed 0.00002; ExAC 0.00005; gnomAD exomes 0.00013.
gnomAD v4.1: 185 of 1,613,020 alleles (0.011%); highest among the groups gnomAD compares: Middle Eastern, 0.033%; 1 homozygote.

Submissions (3):

Labcorp Genetics (formerly Invitae), Labcorp
Classification: Likely benign. Last evaluated: 2026-01-03. Review status: criteria provided, single submitter. Criteria: Invitae Variant Classification Sherloc (09022015). Collection method: clinical testing. Allele origin: germline.

PreventionGenetics, part of Exact Sciences
Classification: Uncertain significance for CACNA1B-related condition. Last evaluated: 2025-09-12. Review status: criteria provided, single submitter. Criteria: ACMG Guidelines, 2015. Collection method: clinical testing. Allele origin: germline.
Comment: The CACNA1B c.6512C>T variant is predicted to result in the amino acid substitution p.Pro2171Leu. To our knowledge, this variant has not been reported in the literature. This variant is reported in 0.0097% of alleles in individuals of Ashkenazi Jewish descent in gnomAD. At this time, the clinical significance of this variant is uncertain due to the absence of conclusive functional and genetic evidence.

Blueprint Genetics
Classification: Likely benign. Last evaluated: 2024-02-29. Review status: criteria provided, single submitter. Criteria: ACMG Guidelines, 2015. Collection method: clinical testing. Allele origin: germline.

NM_000718.4(CACNA1B):c.6699C>T (p.Ser2233=)

Gene: CACNA1B (calcium voltage-gated channel subunit alpha1 B; plus strand). Cytogenetic location: 9q34.3.
Variant type: single nucleotide variant.
Coding change: c.6699C>T on transcript NM_000718.4 (MANE Select); coding-DNA position 6699, C replaced by T.
Protein change: p.Ser2233=; no amino-acid change (serine 2233 retained).
Molecular consequence: synonymous variant. On other transcripts: missense variant (1).
Genome position (GRCh38, 1-based): chr9:138,121,678, C>T. VCF-style: chr9-138121678-C-T. GRCh37 (hg19) VCF-style: chr9-141016130-C-T.
Other names: c.6512C>T, p.Pro2171Leu (NM_001243812.2); c.6512C>T (NM_001243812.1); short protein forms P2171L.
Identifiers: ClinVar variation 2153293 (VCV002153293.6), dbSNP rs200996202, ClinGen allele CA5377787.
Genomic context (GRCh38, chr9:138,121,678, plus strand): 5'-CGCCGGGGCTCAGACCAGCCTCCCTGCCTTCTCCCCAGGCCGGCTCAGCCGTGGGCTTTC[C>T]GAACACAACGCCCTGCTGCAGAGAGACCCCCTCAGCCAGCCCCTGGCCCCTGGCTCTCGA-3'
Protein context (NP_000709.1, residues 2223-2243): FSPGRLSRGL[Ser2233=]EHNALLQRDP